The following is an entry in ClinVar:

NM_001012614.2(CTBP1):c.992G>A (p.Arg331Gln)

Genes: CTBP1 (C-terminal binding protein 1; minus strand), CTBP1-AS (CTBP1 antisense RNA; plus strand). Cytogenetic location: 4p16.3.
Variant type: single nucleotide variant.
Coding change: c.992G>A on transcript NM_001012614.2 (MANE Select); coding-DNA position 992, G replaced by A.
Protein change: p.Arg331Gln; replaces arginine 331 with glutamine.
Molecular consequence: missense variant.
Genome position (GRCh38, 1-based): chr4:1,213,027, C>T on the plus strand (G>A on the coding strand, the complement: CTBP1 is on the minus strand). VCF-style: chr4-1213027-C-T. GRCh37 (hg19) VCF-style: chr4-1206815-C-T.
Other names: c.1025G>A, p.Arg342Gln (NM_001328.3, NM_001377186.1); c.992G>A, p.Arg331Gln (NM_001377187.1, NM_001377188.1, NM_001377189.1 and 4 more transcripts); short protein forms R331Q, R342Q.
Identifiers: ClinVar variation 3628315 (VCV003628315.2).

ClinVar aggregate classification (germline): Uncertain significance (1 of 4 stars; one submission).

gnomAD v4.1: 20 of 1,613,606 alleles (0.0012%); highest among the groups gnomAD compares: Non-Finnish European, 0.0017%; no homozygotes.

Submission:

Labcorp Genetics (formerly Invitae), Labcorp
Classification: Uncertain significance. Last evaluated: 2025-11-09. Review status: criteria provided, single submitter. Criteria: Invitae Variant Classification Sherloc (09022015). Collection method: clinical testing. Allele origin: germline.
Comment: This sequence change replaces arginine, which is basic and polar, with glutamine, which is neutral and polar, at codon 342 of the CTBP1 protein (p.Arg342Gln). This variant is present in population databases (no rsID available, gnomAD no frequency). This variant has not been reported in the literature in individuals affected with CTBP1-related conditions. ClinVar contains an entry for this variant (Variation ID: 3628315). Invitae Evidence Modeling of protein sequence and biophysical properties (such as structural, functional, and spatial information, amino acid conservation, physicochemical variation, residue mobility, and thermodynamic stability) indicates that this missense variant is not expected to disrupt CTBP1 protein function with a negative predictive value of 80%. This variant disrupts the p.Arg342 amino acid residue in CTBP1. Other variant(s) that disrupt this residue have been determined to be pathogenic (PMID: 27094857, 28955726, 29878067, 31041561). This suggests that this residue is clinically significant, and that variants that disrupt this residue are likely to be disease-causing. In summary, the available evidence is currently insufficient to determine the role of this variant in disease. Therefore, it has been classified as a Variant of Uncertain Significance.

Literature cited by the submitters: PubMed 27094857; PubMed 28955726; PubMed 29878067; PubMed 31041561.